The following is an entry in ClinVar:

ClinVar aggregate classification (germline): Likely benign. Review status: criteria provided, multiple submitters, no conflicts (2 of 4 stars). 4 submissions from 4 submitters: Likely benign (3). 1 of the submissions does not count toward it. Last evaluated 2026-06-01.

Conditions:
BCL11B-related disorder. Also called: BCL11B-Related Disorders.

Submissions (4):

CeGaT Center for Human Genetics Tuebingen
Classification: Likely benign. Last evaluated: 2026-06-01. Review status: criteria provided, single submitter. Criteria: CeGaT Center For Human Genetics Tuebingen Variant Classification Criteria Version 2. Collection method: clinical testing. Allele origin: germline. Affected: yes. Observed: 1 variant allele.
Comment: BCL11B: BS2

Labcorp Genetics (formerly Invitae), Labcorp
Classification: Likely benign. Last evaluated: 2025-09-30. Review status: criteria provided, single submitter. Criteria: Invitae Variant Classification Sherloc (09022015). Collection method: clinical testing. Allele origin: germline.

Blueprint Genetics
Classification: Likely benign. Last evaluated: 2024-03-14. Review status: criteria provided, single submitter. Criteria: ACMG Guidelines, 2015. Collection method: clinical testing. Allele origin: germline.

PreventionGenetics, part of Exact Sciences
Classification: Likely benign for BCL11B-related condition. Last evaluated: 2020-06-12. Review status: no assertion criteria provided. Collection method: clinical testing. Allele origin: germline. Not counted in ClinVar's aggregate classification.
Comment: This variant is classified as likely benign based on ACMG/AMP sequence variant interpretation guidelines (Richards et al. 2015 PMID: 25741868, with internal and published modifications).

NM_138576.4(BCL11B):c.1603GAG[7] (p.Glu542_Glu543del)

Gene: BCL11B (BCL11 transcription factor B; minus strand). Cytogenetic location: 14q32.2.
Variant type: Microsatellite.
Coding change: c.1603GAG[7] on transcript NM_138576.4 (MANE Select); seven copies in a row of the 3-base unit GAG starting at c.1603; the reference has nine copies in a row; two copies, 6 bases deleted.
Protein change: p.Glu542_Glu543del.
Molecular consequence: inframe deletion.
Genome position (GRCh38, 1-based): chr14:99,175,207-99,175,212, CTCCTC deleted on the plus strand (GAGGAG on the coding strand, the reverse complement: BCL11B is on the minus strand); deleting any 6 consecutive bases within chr14:99,175,207-99,175,233 gives the same sequence; the position shown is the placement nearest the transcript's 3' end. VCF-style (leftmost placement, unchanged base first): chr14-99175206-GCTCCTC-G. GRCh37 (hg19) VCF-style: chr14-99641543-GCTCCTC-G.
Other names: c.1411_1416del6 (NM_022898.2); c.1600GAG[7], p.Glu541_Glu542del (NM_001282237.2); c.1387GAG[7], p.Glu470_Glu471del (NM_001282238.2); c.1390GAG[7], p.Glu471_Glu472del (NM_022898.3).
Identifiers: ClinVar variation 1668961 (VCV001668961.13), dbSNP rs761352760, ClinGen allele CA7339637.
Genomic context (GRCh38, chr14:99,175,206, plus strand): 5'-GGCTCAGCTCCGAGTCCATGCTGAAGCTCGACTCGGGCCGGCTCTCGTTCTCCAGTAGCA[GCTCCTC>G]CTCCTCCTCCTCCTCCTCCTCGTCCTCCTCCTCCGGCTCGTGGCCCAGCGACGGGTCGCT-3'